The following is an entry in ClinVar:

ClinVar aggregate classification (germline): Uncertain significance (1 of 4 stars; one submission).

Conditions:
Hereditary cancer-predisposing syndrome. Also called: Hereditary Cancer Syndrome; Hereditary neoplastic syndrome; Neoplastic Syndromes, Hereditary; Tumor predisposition. Identifiers: Orphanet 140162, MedGen C0027672, MeSH D009386, MONDO:0015356.

Submission:

Ambry Genetics
Classification: Uncertain significance for Hereditary cancer-predisposing syndrome. Last evaluated: 2021-07-12. Review status: criteria provided, single submitter. Criteria: Ambry Variant Classification Scheme 2023. Collection method: clinical testing. Allele origin: germline.
Comment: The p.A471V variant (also known as c.1412C>T), located in coding exon 10 of the CDH1 gene, results from a C to T substitution at nucleotide position 1412. The alanine at codon 471 is replaced by valine, an amino acid with similar properties. This amino acid position is highly conserved in available vertebrate species. In addition, the in silico prediction for this alteration is inconclusive. Since supporting evidence is limited at this time, the clinical significance of this alteration remains unclear.

NM_004360.5(CDH1):c.1412C>T (p.Ala471Val)

Gene: CDH1 (cadherin 1; plus strand). Cytogenetic location: 16q22.1.
Variant type: single nucleotide variant.
Coding change: c.1412C>T on transcript NM_004360.5 (MANE Select); coding-DNA position 1412, C replaced by T.
Protein change: p.Ala471Val; replaces alanine 471 with valine.
Molecular consequence: missense variant. On other transcripts: 5 prime UTR variant (2).
Genome position (GRCh38, 1-based): chr16:68,815,606, C>T. VCF-style: chr16-68815606-C-T. GRCh37 (hg19) VCF-style: chr16-68849509-C-T.
Other names: c.1229C>T, p.Ala410Val (NM_001317184.2); c.-137C>T (NM_001317185.2); c.-408C>T (NM_001317186.2); short protein forms A471V, A410V.
Identifiers: ClinVar variation 1772066 (VCV001772066.2), dbSNP rs2543930652, ClinGen allele CA396462947.
Genomic context (GRCh38, chr16:68,815,606, plus strand): 5'-TTCTACACGTAGCAGTGACGAATGTGGTACCTTTTGAGGTCTCTCTCACCACCTCCACAG[C>T]CACCGTCACCGTGGATGTGCTGGATGTGAATGAAGCCCCCATCTTTGTGCCTCCTGAAAA-3'
Protein context (NP_004351.1, residues 461-481): PFEVSLTTST[Ala471Val]TVTVDVLDVN